The following is an entry in ClinVar:

NM_017534.6(MYH2):c.5035A>G (p.Met1679Val)

Genes: MYHAS (myosin heavy chain gene cluster antisense RNA; plus strand), MYH2 (myosin heavy chain 2; minus strand), LOC126862500 (BRD4-independent group 4 enhancer GRCh37_chr17:10427829-10429028; plus strand). Cytogenetic location: 17p13.1.
Variant type: single nucleotide variant.
Coding change: c.5035A>G on transcript NM_017534.6 (MANE Select); coding-DNA position 5035, A replaced by G.
Protein change: p.Met1679Val; replaces methionine 1679 with valine.
Molecular consequence: missense variant.
Genome position (GRCh38, 1-based): chr17:10,524,606, T>C on the plus strand (A>G on the coding strand, the complement: MYH2 is on the minus strand). VCF-style: chr17-10524606-T-C. GRCh37 (hg19) VCF-style: chr17-10427923-T-C.
Other names: c.5035A>G (NM_017534.5); c.5035A>G, p.Met1679Val (NM_001100112.2); short protein forms M1679V.
Identifiers: ClinVar variation 3695252 (VCV003695252.3).

ClinVar aggregate classification (germline): Uncertain significance. Review status: criteria provided, multiple submitters, no conflicts (2 of 4 stars). 2 submissions from 2 submitters: Uncertain significance (2). Last evaluated 2025-01-25.

Conditions:
Myopathy, proximal, and ophthalmoplegia (CMYO6). Also called: CONGENITAL MYOPATHY 6 WITH OPHTHALMOPLEGIA; MYOPATHY WITH CONGENITAL JOINT CONTRACTURES, OPHTHALMOPLEGIA, AND RIMMED VACUOLES; INCLUSION BODY MYOPATHY 3, AUTOSOMAL DOMINANT. Identifiers: Orphanet 363677, Orphanet 79091, MedGen C1854106, MONDO:0011577, OMIM 605637.

Submissions (2):

GeneDx
Classification: Uncertain significance. Last evaluated: 2025-01-25. Review status: criteria provided, single submitter. Criteria: GeneDx Variant Classification Process June 2021. Collection method: clinical testing. Allele origin: germline. Affected: yes.
Comment: Not observed at significant frequency in large population cohorts (gnomAD); In silico analysis indicates that this missense variant does not alter protein structure/function; Has not been previously published as pathogenic or benign to our knowledge

Labcorp Genetics (formerly Invitae), Labcorp
Classification: Uncertain significance for Myopathy, proximal, and ophthalmoplegia. Last evaluated: 2024-12-18. Review status: criteria provided, single submitter. Criteria: Invitae Variant Classification Sherloc (09022015). Collection method: clinical testing. Allele origin: germline.
Comment: This sequence change replaces methionine, which is neutral and non-polar, with valine, which is neutral and non-polar, at codon 1679 of the MYH2 protein (p.Met1679Val). This variant is not present in population databases (gnomAD no frequency). This variant has not been reported in the literature in individuals affected with MYH2-related conditions. Invitae Evidence Modeling of protein sequence and biophysical properties (such as structural, functional, and spatial information, amino acid conservation, physicochemical variation, residue mobility, and thermodynamic stability) indicates that this missense variant is expected to disrupt MYH2 protein function with a positive predictive value of 80%. In summary, the available evidence is currently insufficient to determine the role of this variant in disease. Therefore, it has been classified as a Variant of Uncertain Significance.